The following is an entry in ClinVar:

ClinVar aggregate classification (germline): Uncertain significance (1 of 4 stars; one submission).

Conditions:
Hereditary cancer-predisposing syndrome. Also called: Neoplastic Syndromes, Hereditary; Tumor predisposition; Hereditary Cancer Syndrome; Hereditary neoplastic syndrome. Identifiers: Orphanet 140162, MedGen C0027672, MeSH D009386, MONDO:0015356.

Submission:

Ambry Genetics
Classification: Uncertain significance for Hereditary cancer-predisposing syndrome. Last evaluated: 2026-07-08. Review status: criteria provided, single submitter. Criteria: Ambry Variant Classification Scheme 2023. Collection method: clinical testing. Allele origin: germline.
Comment: The p.I532T variant (also known as c.1595T>C), located in coding exon 17 of the RB1 gene, results from a T to C substitution at nucleotide position 1595. The isoleucine at codon 532 is replaced by threonine, an amino acid with similar properties. This amino acid position is highly conserved in available vertebrate species. In addition, this alteration is predicted to be deleterious by in silico analysis. Based on the available evidence, the clinical significance of this variant remains unclear.

NM_000321.3(RB1):c.1595T>C (p.Ile532Thr)

Gene: RB1 (RB transcriptional corepressor 1; plus strand). Cytogenetic location: 13q14.2.
Variant type: single nucleotide variant.
Coding change: c.1595T>C on transcript NM_000321.3 (MANE Select); coding-DNA position 1595, T replaced by C.
Protein change: p.Ile532Thr; replaces isoleucine 532 with threonine.
Molecular consequence: missense variant.
Genome position (GRCh38, 1-based): chr13:48,381,343, T>C. VCF-style: chr13-48381343-T-C. GRCh37 (hg19) VCF-style: chr13-48955479-T-C.
Other names: c.1595T>C, p.Ile532Thr (NM_001407165.1, NM_001407166.1); short protein forms I532T.
Identifiers: ClinVar variation 4544083 (VCV004544083.2).